The following is an entry in ClinVar:

ClinVar aggregate classification (germline): Uncertain significance (1 of 4 stars; one submission).

Allele frequency attached by ClinVar (database versions not stated): gnomAD exomes below 0.00001; gnomAD 0.00001; TOPMed 0.00001.
gnomAD v4.1: 3 of 1,613,832 alleles (0.00019%); highest among the groups gnomAD compares: Non-Finnish European, 0.00025%; no homozygotes.

Submission:

Labcorp Genetics (formerly Invitae), Labcorp
Classification: Uncertain significance. Last evaluated: 2024-01-15. Review status: criteria provided, single submitter. Criteria: Invitae Variant Classification Sherloc (09022015). Collection method: clinical testing. Allele origin: germline.
Comment: This sequence change replaces isoleucine, which is neutral and non-polar, with threonine, which is neutral and polar, at codon 1106 of the FREM2 protein (p.Ile1106Thr). This variant is not present in population databases (gnomAD no frequency). This variant has not been reported in the literature in individuals affected with FREM2-related conditions. Advanced modeling of protein sequence and biophysical properties (such as structural, functional, and spatial information, amino acid conservation, physicochemical variation, residue mobility, and thermodynamic stability) performed at Invitae indicates that this missense variant is expected to disrupt FREM2 protein function with a positive predictive value of 80%. In summary, the available evidence is currently insufficient to determine the role of this variant in disease. Therefore, it has been classified as a Variant of Uncertain Significance.

NM_207361.6(FREM2):c.3317T>C (p.Ile1106Thr)

Gene: FREM2 (FRAS1 related extracellular matrix 2; plus strand). Cytogenetic location: 13q13.3.
Variant type: single nucleotide variant.
Coding change: c.3317T>C on transcript NM_207361.6 (MANE Select); coding-DNA position 3317, T replaced by C.
Protein change: p.Ile1106Thr; replaces isoleucine 1106 with threonine.
Molecular consequence: missense variant.
Genome position (GRCh38, 1-based): chr13:38,690,661, T>C. VCF-style: chr13-38690661-T-C. GRCh37 (hg19) VCF-style: chr13-39264798-T-C.
Other names: short protein forms I1106T.
Identifiers: ClinVar variation 2985065 (VCV002985065.3), dbSNP rs1307857453, ClinGen allele CA387890699.